The following is an entry in ClinVar:

ClinVar aggregate classification (germline): Uncertain significance (1 of 4 stars; one submission).

Conditions:
Dystonia 12 (DYT12). Also called: Rapid-Onset Dystonia-Parkinsonism (RDP); DYT-ATP1A3. Identifiers: Orphanet 71517, MedGen C1868681, MONDO:0007496, OMIM 128235.

Submission:

Labcorp Genetics (formerly Invitae), Labcorp
Classification: Uncertain significance for Dystonia 12. Last evaluated: 2020-01-24. Review status: criteria provided, single submitter. Criteria: Invitae Variant Classification Sherloc (09022015). Collection method: clinical testing. Allele origin: germline.
Comment: Algorithms developed to predict the effect of sequence changes on RNA splicing suggest that this variant may disrupt the consensus splice site, but this prediction has not been confirmed by published transcriptional studies. This variant has not been reported in the literature in individuals with ATP1A3-related conditions. This variant is not present in population databases (ExAC no frequency). This sequence change falls in intron 4 of the ATP1A3 gene. It does not directly change the encoded amino acid sequence of the ATP1A3 protein. In summary, the available evidence is currently insufficient to determine the role of this variant in disease. Therefore, it has been classified as a Variant of Uncertain Significance.

NM_152296.5(ATP1A3):c.358-7C>G

Gene: ATP1A3 (ATPase Na+/K+ transporting subunit alpha 3; minus strand). Cytogenetic location: 19q13.2.
Variant type: single nucleotide variant.
Coding change: c.358-7C>G on transcript NM_152296.5 (MANE Select); 7 bases into the intron before coding-DNA position 358, C replaced by G.
Molecular consequence: intron variant.
Genome position (GRCh38, 1-based): chr19:41,986,236, G>C on the plus strand (C>G on the coding strand, the complement: ATP1A3 is on the minus strand). VCF-style: chr19-41986236-G-C. GRCh37 (hg19) VCF-style: chr19-42490388-G-C.
Other names: c.397-7C>G (NM_001256214.2); c.391-7C>G (NM_001256213.2).
Identifiers: ClinVar variation 969500 (VCV000969500.9), dbSNP rs1555865427, ClinGen allele CA1139666471.